The following is an entry in ClinVar:

ClinVar aggregate classification (germline): Conflicting classifications of pathogenicity. Review status: criteria provided, conflicting classifications (1 of 4 stars). 6 submissions from 6 submitters: Uncertain significance (5); Likely benign (1). Last evaluated 2026-01-12.

Conditions:
Inborn genetic diseases. Identifiers: MedGen C0950123, MeSH D030342.
Joubert syndrome 3 (JBTS3). Also called: AHI1-related Ciliopathy. Identifiers: Orphanet 220493, MedGen C1837713, MONDO:0012078, OMIM 608629.
Joubert syndrome. Also called: Familial aplasia of the vermis; JOUBERT-BOLTSHAUSER SYNDROME. Identifiers: Orphanet 475, MedGen C5979921, MONDO:0018772.

Allele frequency attached by ClinVar (database versions not stated): gnomAD exomes 0.00006 and 0.00002; ESP Exome Variant Server 0.00008; ExAC 0.00011; gnomAD 0.00011 and 0.00012; TOPMed 0.00014.
gnomAD v4.1: 46 of 1,443,134 alleles (0.0032%); highest among the groups gnomAD compares: African/African-American, 0.038%; no homozygotes.

Submissions (6):

Labcorp Genetics (formerly Invitae), Labcorp
Classification: Likely benign for Joubert syndrome. Last evaluated: 2026-01-12. Review status: criteria provided, single submitter. Criteria: Invitae Variant Classification Sherloc (09022015). Collection method: clinical testing. Allele origin: germline.

GeneDx
Classification: Uncertain significance. Last evaluated: 2025-10-31. Review status: criteria provided, single submitter. Criteria: GeneDx Variant Classification Process June 2021. Collection method: clinical testing. Allele origin: germline. Affected: yes.
Comment: In silico analysis suggests that this missense variant does not alter protein structure/function; Has not been previously published as pathogenic or benign to our knowledge

Ambry Genetics
Classification: Uncertain significance for Inborn genetic diseases. Last evaluated: 2024-11-21. Review status: criteria provided, single submitter. Criteria: Ambry Variant Classification Scheme 2023. Collection method: clinical testing. Allele origin: germline.

Fulgent Genetics
Classification: Uncertain significance for Joubert syndrome 3. Last evaluated: 2024-04-08. Review status: criteria provided, single submitter. Criteria: ACMG Guidelines, 2015. Collection method: clinical testing. Allele origin: germline.

Blueprint Genetics
Classification: Uncertain significance. Last evaluated: 2022-09-07. Review status: criteria provided, single submitter. Criteria: ACMG Guidelines, 2015. Collection method: clinical testing. Allele origin: germline.

Eurofins Ntd Llc (ga)
Classification: Uncertain significance. Last evaluated: 2015-03-13. Review status: criteria provided, single submitter. Criteria: EGL Classification Definitions 2015. Collection method: clinical testing. Allele origin: germline. Observed: 1 variant allele, 1 heterozygote.

NM_001134831.2(AHI1):c.1157G>A (p.Arg386Gln)

Gene: AHI1 (Abelson helper integration site 1; minus strand). Cytogenetic location: 6q23.3.
Variant type: single nucleotide variant.
Coding change: c.1157G>A on transcript NM_001134831.2 (MANE Select); coding-DNA position 1157, G replaced by A.
Protein change: p.Arg386Gln; replaces arginine 386 with glutamine.
Molecular consequence: missense variant.
Genome position (GRCh38, 1-based): chr6:135,455,921, C>T on the plus strand (G>A on the coding strand, the complement: AHI1 is on the minus strand). VCF-style: chr6-135455921-C-T. GRCh37 (hg19) VCF-style: chr6-135777059-C-T.
Other names: c.1157G>A, p.Arg386Gln (NM_001134830.2, NM_001134832.2, NM_001350503.2 and 2 more transcripts); short protein forms R386Q.
Identifiers: ClinVar variation 199141 (VCV000199141.22), dbSNP rs371243793, ClinGen allele CA248175.